The following is an entry in ClinVar:

ClinVar aggregate classification (germline): Uncertain significance. Review status: criteria provided, multiple submitters, no conflicts (2 of 4 stars). 2 submissions from 2 submitters: Uncertain significance (2). Last evaluated 2023-11-23.

Allele frequency attached by ClinVar (database versions not stated): TOPMed below 0.00001; gnomAD 0.00001; gnomAD exomes 0.00001 and 0.00003; ExAC 0.00002.
gnomAD v4.1: 19 of 1,514,662 alleles (0.0013%); highest among the groups gnomAD compares: Admixed American, 0.0038%; no homozygotes.

Submissions (2):

Blueprint Genetics
Classification: Uncertain significance. Last evaluated: 2023-11-23. Review status: criteria provided, single submitter. Criteria: ACMG Guidelines, 2015. Collection method: clinical testing. Allele origin: germline.

Labcorp Genetics (formerly Invitae), Labcorp
Classification: Uncertain significance. Last evaluated: 2022-07-19. Review status: criteria provided, single submitter. Criteria: Invitae Variant Classification Sherloc (09022015). Collection method: clinical testing. Allele origin: germline.
Comment: This sequence change replaces arginine, which is basic and polar, with tryptophan, which is neutral and slightly polar, at codon 1172 of the TTLL5 protein (p.Arg1172Trp). This variant is present in population databases (rs763081813, gnomAD 0.005%). This variant has not been reported in the literature in individuals affected with TTLL5-related conditions. ClinVar contains an entry for this variant (Variation ID: 1045409). Algorithms developed to predict the effect of missense changes on protein structure and function are either unavailable or do not agree on the potential impact of this missense change (SIFT: "Deleterious"; PolyPhen-2: "Probably Damaging"; Align-GVGD: "Class C0"). In summary, the available evidence is currently insufficient to determine the role of this variant in disease. Therefore, it has been classified as a Variant of Uncertain Significance.

NM_015072.5(TTLL5):c.3514C>T (p.Arg1172Trp)

Gene: TTLL5 (tubulin tyrosine ligase like 5; plus strand). Cytogenetic location: 14q24.3.
Variant type: single nucleotide variant.
Coding change: c.3514C>T on transcript NM_015072.5 (MANE Select); coding-DNA position 3514, C replaced by T.
Protein change: p.Arg1172Trp; replaces arginine 1172 with tryptophan.
Molecular consequence: missense variant.
Genome position (GRCh38, 1-based): chr14:75,863,854, C>T. VCF-style: chr14-75863854-C-T. GRCh37 (hg19) VCF-style: chr14-76330197-C-T.
Other names: short protein forms R1172W.
Identifiers: ClinVar variation 1045409 (VCV001045409.7), dbSNP rs763081813, ClinGen allele CA7280028.